The following is an entry in ClinVar:

ClinVar aggregate classification (germline): Uncertain significance (1 of 4 stars; one submission).

Submission:

GeneDx
Classification: Uncertain significance. Last evaluated: 2024-01-03. Review status: criteria provided, single submitter. Criteria: GeneDx Variant Classification Process June 2021. Collection method: clinical testing. Allele origin: germline. Affected: yes.
Comment: Not observed at significant frequency in large population cohorts (gnomAD); In silico analysis supports that this missense variant has a deleterious effect on protein structure/function; Has not been previously published as pathogenic or benign to our knowledge

NM_001395159.1(UNC79):c.5753G>T (p.Ser1918Ile)

Gene: UNC79 (unc-79 homolog, NALCN channel complex subunit; plus strand). Cytogenetic location: 14q32.12.
Variant type: single nucleotide variant.
Coding change: c.5753G>T on transcript NM_001395159.1 (MANE Select); coding-DNA position 5753, G replaced by T.
Protein change: p.Ser1918Ile; replaces serine 1918 with isoleucine.
Molecular consequence: missense variant.
Genome position (GRCh38, 1-based): chr14:93,622,770, G>T. VCF-style: chr14-93622770-G-T. GRCh37 (hg19) VCF-style: chr14-94089116-G-T.
Other names: c.5687G>T, p.Ser1896Ile (NM_001346218.2); c.5006G>T, p.Ser1669Ile (NM_020818.5); short protein forms S1669I, S1896I, S1918I.
Identifiers: ClinVar variation 3370225 (VCV003370225.1).